The following is an entry in ClinVar:

ClinVar aggregate classification (germline): Uncertain significance. Review status: criteria provided, multiple submitters, no conflicts (2 of 4 stars). 2 submissions from 2 submitters: Uncertain significance (2). Last evaluated 2025-06-01.

Conditions:
Familial thoracic aortic aneurysm and aortic dissection (TAAD). Also called: Thoracic aortic aneurysms and dissections. Identifiers: Orphanet 91387, MedGen C4707243, MONDO:0019625.

Submissions (2):

Labcorp Genetics (formerly Invitae), Labcorp
Classification: Uncertain significance for Familial thoracic aortic aneurysm and aortic dissection. Last evaluated: 2025-06-01. Review status: criteria provided, single submitter. Criteria: Invitae Variant Classification Sherloc (09022015). Collection method: clinical testing. Allele origin: germline.
Comment: This sequence change replaces glutamine, which is neutral and polar, with proline, which is neutral and non-polar, at codon 316 of the SMAD3 protein (p.Gln316Pro). This variant is not present in population databases (gnomAD no frequency). This variant has not been reported in the literature in individuals affected with SMAD3-related conditions. ClinVar contains an entry for this variant (Variation ID: 213771). Invitae Evidence Modeling of protein sequence and biophysical properties (such as structural, functional, and spatial information, amino acid conservation, physicochemical variation, residue mobility, and thermodynamic stability) indicates that this missense variant is expected to disrupt SMAD3 protein function with a positive predictive value of 80%. In summary, the available evidence is currently insufficient to determine the role of this variant in disease. Therefore, it has been classified as a Variant of Uncertain Significance.

GeneDx
Classification: Uncertain significance. Last evaluated: 2021-05-12. Review status: criteria provided, single submitter. Criteria: GeneDx Variant Classification Process June 2021. Collection method: clinical testing. Allele origin: germline. Affected: yes.
Comment: Has not been previously published as pathogenic or benign to our knowledge; Not observed in large population cohorts (Lek et al., 2016); In silico analysis supports that this missense variant has a deleterious effect on protein structure/function

NM_005902.4(SMAD3):c.947A>C (p.Gln316Pro)

Gene: SMAD3 (SMAD family member 3; plus strand). Cytogenetic location: 15q22.33.
Variant type: single nucleotide variant.
Coding change: c.947A>C on transcript NM_005902.4 (MANE Select); coding-DNA position 947, A replaced by C.
Protein change: p.Gln316Pro; replaces glutamine 316 with proline.
Molecular consequence: missense variant.
Genome position (GRCh38, 1-based): chr15:67,184,802, A>C. VCF-style: chr15-67184802-A-C. GRCh37 (hg19) VCF-style: chr15-67477140-A-C.
Other names: p.Q316P:CAG>CCG; c.632A>C, p.Gln211Pro (NM_001145102.2); c.815A>C, p.Gln272Pro (NM_001145103.2); c.362A>C, p.Gln121Pro (NM_001145104.2); short protein forms Q316P, Q211P, Q272P, Q121P.
Identifiers: ClinVar variation 213771 (VCV000213771.4), dbSNP rs863223745, ClinGen allele CA324543.
Genomic context (GRCh38, chr15:67,184,802, plus strand): 5'-TCTACTACATCGGAGGGGAGGTCTTCGCAGAGTGCCTCAGTGACAGCGCTATTTTTGTCC[A>C]GTCTCCCAACTGTAACCAGCGCTATGGCTGGCACCCGGCCACCGTCTGCAAGATCCCACC-3'
Protein context (NP_005893.1, residues 306-326): ECLSDSAIFV[Gln316Pro]SPNCNQRYGW